The following is an entry in ClinVar:

NM_002435.3(MPI):c.827_828insC (p.Ala277fs)

Gene: MPI (mannose phosphate isomerase; plus strand). Cytogenetic location: 15q24.1.
Variant type: Insertion.
Coding change: c.827_828insC on transcript NM_002435.3 (MANE Select); coding-DNA positions 827 to 828, C inserted.
Protein change: p.Ala277fs; shifts the reading frame from alanine 277.
Molecular consequence: frameshift variant.
Genome position: GRCh38 VCF-style: chr15-74896308-A-AC. GRCh37 (hg19) VCF-style: chr15-75188649-A-AC.
Other names: c.827_828insC, p.Ala277fs (NM_001289155.2); c.677_678insC, p.Ala227fs (NM_001289156.2); c.644_645insC, p.Ala216fs (NM_001289157.2); c.767_768insC, p.Ala257fs (NM_001330372.2); short protein forms A216fs, A257fs, A227fs, A277fs.
Identifiers: ClinVar variation 5004255 (VCV005004255.1).

ClinVar aggregate classification (germline): Pathogenic (1 of 4 stars; one submission).

Conditions:
MPI-congenital disorder of glycosylation. Also called: CDG Ib; MANNOSEPHOSPHATE ISOMERASE DEFICIENCY; PROTEIN-LOSING ENTEROPATHY-HEPATIC FIBROSIS SYNDROME; CONGENITAL DISORDER OF GLYCOSYLATION, TYPE Ib; MPI DEFICIENCY; MPI-CDG. Identifiers: Orphanet 79319, MedGen C1865145, MONDO:0011257, OMIM 602579.

Submission:

Myriad Genetics, Inc.
Classification: Pathogenic for MPI-congenital disorder of glycosylation. Last evaluated: 2025-10-28. Review status: criteria provided, single submitter. Criteria: Myriad Autosomal Dominant, Autosomal Recessive and X-Linked Classification Criteria (2023). Collection method: clinical testing. Allele origin: unknown.
Comment: NM_002435.1(MPI):c.827_828insC(A277Cfs*28) is a frameshift variant classified as pathogenic in the context of congenital disorder of glycosylation, MPI-related. A277Cfs*28 has not been observed in cases with relevant disease. Relevant functional assessments of this variant are not available in the literature. A277Cfs*28 has not been observed in referenced population frequency databases. In summary, NM_002435.1(MPI):c.827_828insC(A277Cfs*28) is a frameshift variant in a gene where loss of function is a known mechanism of disease and is predicted to disrupt protein function. Please note: this variant was assessed in the context of healthy population screening.